The following is an entry in ClinVar:

NM_001042492.3(NF1):c.7535G>A (p.Gly2512Asp)

Gene: NF1 (neurofibromin 1; plus strand). Cytogenetic location: 17q11.2.
Variant type: single nucleotide variant.
Coding change: c.7535G>A on transcript NM_001042492.3 (MANE Select); coding-DNA position 7535, G replaced by A.
Protein change: p.Gly2512Asp; replaces glycine 2512 with aspartic acid.
Molecular consequence: missense variant.
Genome position (GRCh38, 1-based): chr17:31,352,334, G>A. VCF-style: chr17-31352334-G-A. GRCh37 (hg19) VCF-style: chr17-29679352-G-A.
Other names: c.7472G>A, p.Gly2491Asp (NM_000267.4); short protein forms G2512D, G2491D.
Identifiers: ClinVar variation 3404604 (VCV003404604.1).

ClinVar aggregate classification (germline): Uncertain significance (1 of 4 stars; one submission).

Conditions:
Hereditary cancer-predisposing syndrome. Also called: Hereditary Cancer Syndrome; Tumor predisposition; Hereditary neoplastic syndrome; Neoplastic Syndromes, Hereditary. Identifiers: Orphanet 140162, MedGen C0027672, MeSH D009386, MONDO:0015356.
Cardiovascular phenotype. Identifiers: MedGen CN230736.

Submission:

Ambry Genetics
Classification: Uncertain significance for Cardiovascular phenotype; Hereditary cancer-predisposing syndrome. Last evaluated: 2024-09-05. Review status: criteria provided, single submitter. Criteria: Ambry Variant Classification Scheme 2023. Collection method: clinical testing. Allele origin: germline.
Comment: The p.G2491D variant (also known as c.7472G>A), located in coding exon 50 of the NF1 gene, results from a G to A substitution at nucleotide position 7472. The glycine at codon 2491 is replaced by aspartic acid, an amino acid with similar properties. This amino acid position is highly conserved in available vertebrate species. In addition, the in silico prediction for this alteration is inconclusive. Based on the available evidence, the clinical significance of this variant remains unclear.